The following is an entry in ClinVar:

ClinVar aggregate classification (germline): Benign. Review status: criteria provided, multiple submitters, no conflicts (2 of 4 stars). 3 submissions from 3 submitters: Benign (2). 1 of the submissions does not count toward it. Last evaluated 2025-09-29.

Conditions:
FBN3-related disorder. Also called: FBN3-related condition.

Allele frequency attached by ClinVar (database versions not stated): gnomAD exomes 0.00015 and 0.00040; ExAC 0.00047; ESP Exome Variant Server 0.00146; gnomAD 0.00174 and 0.00187; TOPMed 0.00207; 1000 Genomes Project 0.00220; 1000 Genomes Project 30x 0.00297.
gnomAD v4.1: 491 of 1,613,304 alleles (0.03%); highest among the groups gnomAD compares: African/African-American, 0.58%; 3 homozygotes.

Submissions (3):

Labcorp Genetics (formerly Invitae), Labcorp
Classification: Benign. Last evaluated: 2025-09-29. Review status: criteria provided, single submitter. Criteria: Invitae Variant Classification Sherloc (09022015). Collection method: clinical testing. Allele origin: germline.

Breakthrough Genomics
Classification: Benign. Review status: criteria provided, single submitter. Criteria: ACMG Guidelines, 2015. Collection method: not provided. Allele origin: germline. Inheritance: Unknown mechanism. Affected: yes.

PreventionGenetics, part of Exact Sciences
Classification: Likely benign for FBN3-related condition. Last evaluated: 2020-03-02. Review status: no assertion criteria provided. Collection method: clinical testing. Allele origin: germline. Not counted in ClinVar's aggregate classification.
Comment: This variant is classified as likely benign based on ACMG/AMP sequence variant interpretation guidelines (Richards et al. 2015 PMID: 25741868, with internal and published modifications).

NM_032447.5(FBN3):c.3885C>T (p.Ala1295=)

Gene: FBN3 (fibrillin 3; minus strand). Cytogenetic location: 19p13.2.
Variant type: single nucleotide variant.
Coding change: c.3885C>T on transcript NM_032447.5 (MANE Select); coding-DNA position 3885, C replaced by T.
Protein change: p.Ala1295=; no amino-acid change (alanine 1295 retained).
Molecular consequence: synonymous variant.
Genome position (GRCh38, 1-based): chr19:8,112,053, G>A on the plus strand (C>T on the coding strand, the complement: FBN3 is on the minus strand). VCF-style: chr19-8112053-G-A. GRCh37 (hg19) VCF-style: chr19-8176937-G-A.
Other names: c.3885C>T, p.Ala1295= (NM_001321431.2); c.3885C>T (NM_001321431.1).
Identifiers: ClinVar variation 1601474 (VCV001601474.11), dbSNP rs139521225, ClinGen allele CA9152274.